The following is an entry in ClinVar:

NM_005612.5(REST):c.1482_1483insCCA (p.Lys494_Ser495insPro)

Gene: REST (RE1 silencing transcription factor; plus strand). Cytogenetic location: 4q12.
Variant type: Insertion.
Coding change: c.1482_1483insCCA on transcript NM_005612.5 (MANE Select); coding-DNA positions 1482 to 1483, CCA inserted.
Protein change: p.Lys494_Ser495insPro.
Molecular consequence: inframe insertion. On other transcripts: inframe indel (2).
Genome position: GRCh38 VCF-style: chr4-56930339-A-AACC. GRCh37 (hg19) VCF-style: chr4-57796505-A-AACC.
Other names: c.1482_1483insCCA, p.Lys494_Ser495insPro (NM_001193508.2, NM_001363453.3).
Identifiers: ClinVar variation 3715497 (VCV003715497.2).

ClinVar aggregate classification (germline): Uncertain significance (1 of 4 stars; one submission).

Submission:

Labcorp Genetics (formerly Invitae), Labcorp
Classification: Uncertain significance. Last evaluated: 2024-07-22. Review status: criteria provided, single submitter. Criteria: Invitae Variant Classification Sherloc (09022015). Collection method: clinical testing. Allele origin: germline.
Comment: This variant, c.1482_1483insCCA, results in the insertion of 1 amino acid(s) of the REST protein (p.Lys494_Ser495insPro), but otherwise preserves the integrity of the reading frame. This variant is present in population databases (no rsID available, gnomAD 0.01%). This variant has not been reported in the literature in individuals affected with REST-related conditions. In summary, the available evidence is currently insufficient to determine the role of this variant in disease. Therefore, it has been classified as a Variant of Uncertain Significance.